The following is an entry in ClinVar:

ClinVar aggregate classification (germline): Uncertain significance. Review status: criteria provided, multiple submitters, no conflicts (2 of 4 stars). 5 submissions from 5 submitters: Uncertain significance (5). Last evaluated 2026-04-14.

Conditions:
Familial thoracic aortic aneurysm and aortic dissection (TAAD). Also called: Thoracic aortic aneurysms and dissections. Identifiers: Orphanet 91387, MedGen C4707243, MONDO:0019625.
Megacystis, microcolon, hypoperistalsis syndrome. Also called: Berdon syndrome; Megacystis-microcolon-intestinal hypoperistalsis syndrome. Identifiers: Orphanet 2241, MedGen C1608393, MONDO:0025986.
Aortic aneurysm, familial thoracic 7 (AAT7). Also called: AORTIC DISSECTION, FAMILIAL, WITH OR WITHOUT AORTIC ANEURYSM. Identifiers: MedGen C3151077, MONDO:0013418, OMIM 613780.

Allele frequency attached by ClinVar (database versions not stated): gnomAD 0.00001; TOPMed 0.00003; gnomAD exomes 0.00003.
gnomAD v4.1: 19 of 1,566,598 alleles (0.0012%); highest among the groups gnomAD compares: Admixed American, 0.0037%; no homozygotes.

Submissions (5):

GeneDx
Classification: Uncertain significance. Last evaluated: 2026-04-14. Review status: criteria provided, single submitter. Criteria: GeneDx Variant Classification Process June 2021. Collection method: clinical testing. Allele origin: germline.
Comment: Not observed at significant frequency in large population cohorts (gnomAD); In silico analysis suggests that this missense variant does not alter protein structure/function; Has not been previously published as pathogenic or benign to our knowledge

Mayo Clinic Laboratories, Mayo Clinic
Classification: Uncertain significance. Last evaluated: 2025-02-21. Review status: criteria provided, single submitter. Criteria: ACMG Guidelines, 2015. Collection method: clinical testing. Allele origin: germline. Observed: 1 variant allele.
Comment: PM2_supporting

Labcorp Genetics (formerly Invitae), Labcorp
Classification: Uncertain significance for Aortic aneurysm, familial thoracic 7. Last evaluated: 2025-02-03. Review status: criteria provided, single submitter. Criteria: Invitae Variant Classification Sherloc (09022015). Collection method: clinical testing. Allele origin: germline.
Comment: This sequence change replaces glycine, which is neutral and non-polar, with serine, which is neutral and polar, at codon 564 of the MYLK protein (p.Gly564Ser). The frequency data for this variant in the population databases is considered unreliable, as metrics indicate poor data quality at this position in the gnomAD database. This variant has not been reported in the literature in individuals affected with MYLK-related conditions. ClinVar contains an entry for this variant (Variation ID: 664610). Invitae Evidence Modeling of protein sequence and biophysical properties (such as structural, functional, and spatial information, amino acid conservation, physicochemical variation, residue mobility, and thermodynamic stability) has been performed for this missense variant. However, the output from this modeling did not meet the statistical confidence thresholds required to predict the impact of this variant on MYLK protein function. In summary, the available evidence is currently insufficient to determine the role of this variant in disease. Therefore, it has been classified as a Variant of Uncertain Significance.

Ambry Genetics
Classification: Uncertain significance for Familial thoracic aortic aneurysm and aortic dissection. Last evaluated: 2024-12-09. Review status: criteria provided, single submitter. Criteria: Ambry Variant Classification Scheme 2023. Collection method: clinical testing. Allele origin: germline.
Comment: The p.G564S variant (also known as c.1690G>A), located in coding exon 10 of the MYLK gene, results from a G to A substitution at nucleotide position 1690. The glycine at codon 564 is replaced by serine, an amino acid with similar properties. This amino acid position is conserved. In addition, the in silico prediction for this alteration is inconclusive. Based on the available evidence, the clinical significance of this variant remains unclear.

Women's Health and Genetics/Laboratory Corporation of America, LabCorp
Classification: Uncertain significance. Last evaluated: 2021-08-09. Review status: criteria provided, single submitter. Criteria: LabCorp Variant Classification Summary - May 2015. Collection method: clinical testing. Allele origin: germline.
Comment: Variant summary: MYLK c.1690G>A (p.Gly564Ser) results in a non-conservative amino acid change located in the Immunoglobulin subtype 2 domain (IPR003598) of the encoded protein sequence. Three of five in-silico tools predict a damaging effect of the variant on protein function. The variant allele was found at a frequency of 2.8e-05 in 178212 control chromosomes (gnomAD). The available data on variant occurrences in the general population are insufficient to allow any conclusion about variant significance. To our knowledge, no occurrence of c.1690G>A in individuals affected with Thoracic Aortic Aneurysms and Dissections and no experimental evidence demonstrating its impact on protein function have been reported. One ClinVar submitter (evaluation after 2014) cites the variant as uncertain significance. Based on the evidence outlined above, the variant was classified as uncertain significance.

NM_053025.4(MYLK):c.1690G>A (p.Gly564Ser)

Gene: MYLK (myosin light chain kinase; minus strand). Cytogenetic location: 3q21.1.
Variant type: single nucleotide variant.
Coding change: c.1690G>A on transcript NM_053025.4 (MANE Select); coding-DNA position 1690, G replaced by A.
Protein change: p.Gly564Ser; replaces glycine 564 with serine.
Molecular consequence: missense variant.
Genome position (GRCh38, 1-based): chr3:123,722,242, C>T on the plus strand (G>A on the coding strand, the complement: MYLK is on the minus strand). VCF-style: chr3-123722242-C-T. GRCh37 (hg19) VCF-style: chr3-123441089-C-T.
Other names: p.Gly564Ser; c.1162G>A, p.Gly388Ser (NM_001321309.2); c.1483G>A, p.Gly495Ser (NM_053026.4, NM_053028.4); c.1690G>A, p.Gly564Ser (NM_053027.4); short protein forms G388S, G495S, G564S.
Identifiers: ClinVar variation 664610 (VCV000664610.15), dbSNP rs1275836800, ClinGen allele CA354235443.